The following is an entry in ClinVar:

NM_001365276.2(TNXB):c.5937dup (p.Ala1980fs)

Gene: TNXB (tenascin XB; minus strand). Cytogenetic location: 6p21.33.
Variant type: Duplication.
Coding change: c.5937dup on transcript NM_001365276.2 (MANE Select); coding-DNA position 5937, one base duplicated (C; older notation c.5937dupC).
Protein change: p.Ala1980fs; shifts the reading frame from alanine 1980.
Molecular consequence: frameshift variant.
Genome position (GRCh38, 1-based): chr6:32,068,673, G duplicated on the plus strand (C on the coding strand, the reverse complement: TNXB is on the minus strand); the first of 2 consecutive G bases (chr6:32,068,673-32,068,674); duplicating either gives the same sequence. VCF-style (leftmost placement, unchanged base first): chr6-32068672-C-CG. GRCh37 (hg19) VCF-style: chr6-32036449-C-CG.
Other names: p.Ala1980Argfs*22; c.6678dup, p.Ala2227fs (NM_001428335.1); c.5937dup, p.Ala1980fs (NM_019105.8); short protein forms A1980fs, A2227fs.
Identifiers: ClinVar variation 3381005 (VCV003381005.1).

ClinVar aggregate classification (germline): Likely pathogenic (1 of 4 stars; one submission).

Submission:

Mayo Clinic Laboratories, Mayo Clinic
Classification: Likely pathogenic. Last evaluated: 2024-04-29. Review status: criteria provided, single submitter. Criteria: ACMG Guidelines, 2015. Collection method: clinical testing. Allele origin: germline. Observed: 1 variant allele.
Comment: PM2, PVS1

Literature cited by the submitters: PubMed 32572181; PubMed 37712068.